The following is an entry in ClinVar:

NM_015559.3(SETBP1):c.4766G>A (p.Gly1589Glu)

Gene: SETBP1 (SET binding protein 1; plus strand). Cytogenetic location: 18q12.3.
Variant type: single nucleotide variant.
Coding change: c.4766G>A on transcript NM_015559.3 (MANE Select); coding-DNA position 4766, G replaced by A.
Protein change: p.Gly1589Glu; replaces glycine 1589 with glutamic acid.
Molecular consequence: missense variant.
Genome position (GRCh38, 1-based): chr18:45,063,673, G>A. VCF-style: chr18-45063673-G-A. GRCh37 (hg19) VCF-style: chr18-42643638-G-A.
Other names: c.4766G>A, p.Gly1589Glu (NM_001379141.1, NM_001379142.1); c.4595G>A, p.Gly1532Glu (NM_001410862.1); short protein forms G1532E, G1589E.
Identifiers: ClinVar variation 2628405 (VCV002628405.2), dbSNP rs1436777220, ClinGen allele CA402484111.

ClinVar aggregate classification (germline): Uncertain significance. Review status: criteria provided, multiple submitters, no conflicts (2 of 4 stars). 2 submissions from 2 submitters: Uncertain significance (2). Last evaluated 2025-02-01.

Conditions:
Inborn genetic diseases. Identifiers: MedGen C0950123, MeSH D030342.
SETBP1-related disorder. Also called: SETBP1-related condition; SETBP1-related disorders.

Allele frequency attached by ClinVar (database versions not stated): gnomAD exomes below 0.00001; TOPMed below 0.00001; gnomAD 0.00001.
gnomAD v4.1: 2 of 1,608,874 alleles (0.00012%); highest among the groups gnomAD compares: Admixed American, 0.0017%; no homozygotes.

Submissions (2):

Ambry Genetics
Classification: Uncertain significance for Inborn genetic diseases. Last evaluated: 2025-02-01. Review status: criteria provided, single submitter. Criteria: Ambry Variant Classification Scheme 2023. Collection method: clinical testing. Allele origin: germline.

PreventionGenetics, part of Exact Sciences
Classification: Uncertain significance for SETBP1-related condition. Last evaluated: 2022-10-12. Review status: criteria provided, single submitter. Criteria: ACMG Guidelines, 2015. Collection method: clinical testing. Allele origin: germline.
Comment: The SETBP1 c.4766G>A variant is predicted to result in the amino acid substitution p.Gly1589Glu. To our knowledge, this variant has not been reported in the literature. This variant is reported in 0.0030% of alleles in individuals of Latino descent in gnomAD. At this time, the clinical significance of this variant is uncertain due to the absence of conclusive functional and genetic evidence.